The following is an entry in ClinVar:

ClinVar aggregate classification (germline): Benign. Review status: criteria provided, multiple submitters, no conflicts (2 of 4 stars). 5 submissions from 5 submitters: Benign (5). Last evaluated 2024-11-27.

Conditions:
Spermatogenic failure 7. Also called: MALE INFERTILITY, NONSYNDROMIC, AUTOSOMAL RECESSIVE. Identifiers: Orphanet 276234, MedGen C2751811, MONDO:0013070, OMIM 612997.

Allele frequency attached by ClinVar (database versions not stated): 1000 Genomes Project 30x 0.93629; 1000 Genomes Project 0.93650; TOPMed 0.95436; gnomAD 0.95986 and 0.96106; ESP Exome Variant Server 0.96244; ExAC 0.97965; gnomAD exomes 0.98071 and 0.99361.
gnomAD v4.1: 1,596,725 of 1,612,422 alleles (99%); highest among the groups gnomAD compares: Non-Finnish European, 100%; 791,274 homozygotes.

Submissions (5):

Blueprint Genetics
Classification: Benign. Last evaluated: 2024-11-27. Review status: criteria provided, single submitter. Criteria: ACMG Guidelines, 2015. Collection method: clinical testing. Allele origin: germline.

Genome-Nilou Lab
Classification: Benign for Spermatogenic failure 7. Last evaluated: 2021-07-14. Review status: criteria provided, single submitter. Criteria: ACMG Guidelines, 2015. Collection method: clinical testing. Allele origin: germline. Affected: no.

GeneDx
Classification: Benign. Last evaluated: 2021-06-09. Review status: criteria provided, single submitter. Criteria: GeneDx Variant Classification Process June 2021. Collection method: clinical testing. Allele origin: germline. Affected: yes.

Illumina Laboratory Services, Illumina
Classification: Benign for Spermatogenic failure 7. Last evaluated: 2018-01-12. Review status: criteria provided, single submitter. Criteria: ICSL Variant Classification Criteria 13 December 2019. Collection method: clinical testing. Allele origin: germline.
Comment: This variant was observed in the ICSL laboratory as part of a predisposition screen in an ostensibly healthy population. It had not been previously curated by ICSL or reported in the Human Gene Mutation Database (HGMD: prior to June 1st, 2018), and was therefore a candidate for classification through an automated scoring system. Utilizing variant allele frequency, disease prevalence and penetrance estimates, and inheritance mode, an automated score was calculated to assess if this variant is too frequent to cause the disease. Based on the score and internal cut-off values, a variant classified as benign is not then subjected to further curation. The score for this variant resulted in a classification of benign for this disease.

Breakthrough Genomics
Classification: Benign. Review status: criteria provided, single submitter. Criteria: ACMG Guidelines, 2015. Collection method: not provided. Allele origin: germline. Inheritance: Autosomal recessive inheritance. Affected: yes.

NM_053054.4(CATSPER1):c.1954G>A (p.Val652Ile)

Gene: CATSPER1 (cation channel sperm associated 1; minus strand). Cytogenetic location: 11q13.1.
Variant type: single nucleotide variant.
Coding change: c.1954G>A on transcript NM_053054.4 (MANE Select); coding-DNA position 1954, G replaced by A.
Protein change: p.Val652Ile; replaces valine 652 with isoleucine.
Molecular consequence: missense variant.
Genome position (GRCh38, 1-based): chr11:66,020,601, C>T on the plus strand (G>A on the coding strand, the complement: CATSPER1 is on the minus strand). VCF-style: chr11-66020601-C-T. GRCh37 (hg19) VCF-style: chr11-65788072-C-T.
Other names: short protein forms V652I.
Identifiers: ClinVar variation 305421 (VCV000305421.13), dbSNP rs3814747, ClinGen allele CA6114484.